The following is an entry in ClinVar:

ClinVar aggregate classification (germline): Benign (0 of 4 stars; one submission).

Conditions:
PMFBP1-related disorder. Also called: PMFBP1-related condition.

Allele frequency attached by ClinVar (database versions not stated): 1000 Genomes Project 30x 0.08463; 1000 Genomes Project 0.08766; TOPMed 0.10590; ESP Exome Variant Server 0.12019; ExAC 0.14488; gnomAD exomes 0.15633.
gnomAD v4.1: 247,325 of 1,613,838 alleles (15%); highest among the groups gnomAD compares: South Asian, 19%; 21,135 homozygotes.

Submission:

PreventionGenetics, part of Exact Sciences
Classification: Benign for PMFBP1-related condition. Last evaluated: 2019-10-31. Review status: no assertion criteria provided. Collection method: clinical testing. Allele origin: germline.
Comment: This variant is classified as benign based on ACMG/AMP sequence variant interpretation guidelines (Richards et al. 2015 PMID: 25741868, with internal and published modifications).

NM_031293.3(PMFBP1):c.577G>A (p.Glu193Lys)

Gene: PMFBP1 (polyamine modulated factor 1 binding protein 1; minus strand). Cytogenetic location: 16q22.2.
Variant type: single nucleotide variant.
Coding change: c.577G>A on transcript NM_031293.3 (MANE Select); coding-DNA position 577, G replaced by A.
Protein change: p.Glu193Lys; replaces glutamic acid 193 with lysine.
Molecular consequence: missense variant.
Genome position (GRCh38, 1-based): chr16:72,150,667, C>T on the plus strand (G>A on the coding strand, the complement: PMFBP1 is on the minus strand). VCF-style: chr16-72150667-C-T. GRCh37 (hg19) VCF-style: chr16-72184566-C-T.
Other names: c.142G>A, p.Glu48Lys (NM_001160213.2); short protein forms E193K, E48K.
Identifiers: ClinVar variation 3055825 (VCV003055825.2), dbSNP rs35370634, ClinGen allele CA8161967.